The following is an entry in ClinVar:

ClinVar aggregate classification (germline): Uncertain significance. Review status: criteria provided, multiple submitters, no conflicts (2 of 4 stars). 2 submissions from 2 submitters: Uncertain significance (2). Last evaluated 2024-09-09.

Conditions:
Developmental and epileptic encephalopathy, 42 (DEE42A). Also called: Epileptic encephalopathy, early infantile, 42; DEVELOPMENTAL AND EPILEPTIC ENCEPHALOPATHY 42A; EPILEPTIC ENCEPHALOPATHY, EARLY INFANTILE, 42A. Identifiers: MedGen C4310716, MONDO:0014917, OMIM 617106.
Episodic ataxia type 2 (EA2). Also called: EPISODIC ATAXIA, NYSTAGMUS-ASSOCIATED; ACETAZOLAMIDE-RESPONSIVE HEREDITARY PAROXYSMAL CEREBELLAR ATAXIA; ATAXIA, EPISODIC, WITH NYSTAGMUS; ATAXIA, FAMILIAL PAROXYSMAL; CEREBELLAR ATAXIA, PAROXYSMAL, ACETAZOLAMIDE-RESPONSIVE; CEREBELLOPATHY, HEREDITARY PAROXYSMAL. Identifiers: Orphanet 97, MedGen C1720416, MONDO:0007163, OMIM 108500.

Allele frequency attached by ClinVar (database versions not stated): TOPMed below 0.00001.

Submissions (2):

Labcorp Genetics (formerly Invitae), Labcorp
Classification: Uncertain significance for Developmental and epileptic encephalopathy, 42; Episodic ataxia type 2. Last evaluated: 2024-09-09. Review status: criteria provided, single submitter. Criteria: Invitae Variant Classification Sherloc (09022015). Collection method: clinical testing. Allele origin: germline.
Comment: This sequence change replaces threonine, which is neutral and polar, with isoleucine, which is neutral and non-polar, at codon 1984 of the CACNA1A protein (p.Thr1984Ile). This variant is not present in population databases (gnomAD no frequency). This variant has not been reported in the literature in individuals affected with CACNA1A-related conditions. ClinVar contains an entry for this variant (Variation ID: 1382758). Invitae Evidence Modeling of protein sequence and biophysical properties (such as structural, functional, and spatial information, amino acid conservation, physicochemical variation, residue mobility, and thermodynamic stability) has been performed for this missense variant. However, the output from this modeling did not meet the statistical confidence thresholds required to predict the impact of this variant on CACNA1A protein function. In summary, the available evidence is currently insufficient to determine the role of this variant in disease. Therefore, it has been classified as a Variant of Uncertain Significance.

GeneDx
Classification: Uncertain significance. Last evaluated: 2023-03-14. Review status: criteria provided, single submitter. Criteria: GeneDx Variant Classification Process June 2021. Collection method: clinical testing. Allele origin: germline. Affected: yes.
Comment: Not observed at significant frequency in large population cohorts (gnomAD); In silico analysis supports that this missense variant has a deleterious effect on protein structure/function; Has not been previously published as pathogenic or benign to our knowledge

NM_001127222.2(CACNA1A):c.5948C>T (p.Thr1983Ile)

Gene: CACNA1A (calcium voltage-gated channel subunit alpha1 A; minus strand). Cytogenetic location: 19p13.13.
Variant type: single nucleotide variant.
Coding change: c.5948C>T on transcript NM_001127222.2 (MANE Select); coding-DNA position 5948, C replaced by T.
Protein change: p.Thr1983Ile; replaces threonine 1983 with isoleucine.
Molecular consequence: missense variant.
Genome position (GRCh38, 1-based): chr19:13,212,733, G>A on the plus strand (C>T on the coding strand, the complement: CACNA1A is on the minus strand). VCF-style: chr19-13212733-G-A. GRCh37 (hg19) VCF-style: chr19-13323547-G-A.
Other names: c.5951C>T (NM_001127221.1); c.5966C>T, p.Thr1989Ile (NM_000068.4, NM_023035.3); c.5951C>T, p.Thr1984Ile (NM_001127221.2); c.5957C>T, p.Thr1986Ile (NM_001174080.2); short protein forms T1986I, T1983I, T1984I, T1989I.
Identifiers: ClinVar variation 1382758 (VCV001382758.6), dbSNP rs947850652, ClinGen allele CA305551198.